The following is an entry in ClinVar:

NM_000038.6(APC):c.3241A>G (p.Ser1081Gly)

Gene: APC (APC regulator of Wnt signaling pathway; plus strand). Cytogenetic location: 5q22.2.
Variant type: single nucleotide variant.
Coding change: c.3241A>G on transcript NM_000038.6 (MANE Select); coding-DNA position 3241, A replaced by G.
Protein change: p.Ser1081Gly; replaces serine 1081 with glycine.
Molecular consequence: missense variant.
Genome position (GRCh38, 1-based): chr5:112,838,835, A>G. VCF-style: chr5-112838835-A-G. GRCh37 (hg19) VCF-style: chr5-112174532-A-G.
Other names: c.3241A>G, p.Ser1081Gly (NM_001127510.3, NM_001354895.2); c.3187A>G, p.Ser1063Gly (NM_001127511.3); c.3295A>G, p.Ser1099Gly (NM_001354896.2); c.3271A>G, p.Ser1091Gly (NM_001354897.2); c.3166A>G, p.Ser1056Gly (NM_001354898.2); c.3157A>G, p.Ser1053Gly (NM_001354899.2); c.3118A>G, p.Ser1040Gly (NM_001354900.2); c.3064A>G, p.Ser1022Gly (NM_001354901.2); and 5 more; short protein forms S1022G, S1040G, S1053G, S1056G, S1063G, S1081G, S1091G, S1099G.
Identifiers: ClinVar variation 1203241 (VCV001203241.17), dbSNP rs973793118, ClinGen allele CA16028443.

ClinVar aggregate classification (germline): Uncertain significance. Review status: criteria provided, multiple submitters, no conflicts (2 of 4 stars). 6 submissions from 6 submitters: Uncertain significance (6). Last evaluated 2025-07-28.

Conditions:
Classic or attenuated familial adenomatous polyposis. Identifiers: MedGen CN372698, MONDO:0021057.
Familial adenomatous polyposis 1 (FAP1). Also called: FAMILIAL ADENOMATOUS POLYPOSIS 1, ATTENUATED; POLYPOSIS, ADENOMATOUS INTESTINAL. Identifiers: MedGen C2713442, MONDO:0021056, OMIM 175100. Disease mechanism: loss of function.
Hereditary cancer-predisposing syndrome. Also called: Neoplastic Syndromes, Hereditary; Hereditary neoplastic syndrome; Hereditary Cancer Syndrome; Tumor predisposition. Identifiers: Orphanet 140162, MedGen C0027672, MeSH D009386, MONDO:0015356.

Allele frequency attached by ClinVar (database versions not stated): TOPMed below 0.00001.

Submissions (6):

Color Diagnostics, LLC DBA Color Health
Classification: Uncertain significance for Hereditary cancer-predisposing syndrome. Last evaluated: 2025-07-28. Review status: criteria provided, single submitter. Criteria: ACMG Guidelines, 2015. Collection method: clinical testing. Allele origin: germline.
Comment: This missense variant replaces serine with glycine at codon 1081 of the APC protein. Computational prediction suggests that this variant may not impact protein structure and function. To our knowledge, functional studies have not been reported for this variant. This variant has not been reported in individuals affected with APC-related disorders in the literature. This variant has not been identified in the general population by the Genome Aggregation Database (gnomAD). The available evidence is insufficient to determine the role of this variant in disease conclusively. Therefore, this variant is classified as a Variant of Uncertain Significance.

Ambry Genetics
Classification: Uncertain significance for Hereditary cancer-predisposing syndrome. Last evaluated: 2025-06-29. Review status: criteria provided, single submitter. Criteria: Ambry Variant Classification Scheme 2023. Collection method: clinical testing. Allele origin: germline.
Comment: The p.S1081G variant (also known as c.3241A>G), located in coding exon 15 of the APC gene, results from an A to G substitution at nucleotide position 3241. The serine at codon 1081 is replaced by glycine, an amino acid with similar properties. This amino acid position is not well conserved in available vertebrate species. In addition, in silico predictors for this gene do not accurately predict pathogenicity. Since supporting evidence is limited at this time, the clinical significance of this alteration remains unclear.

Labcorp Genetics (formerly Invitae), Labcorp
Classification: Uncertain significance for Familial adenomatous polyposis 1. Last evaluated: 2025-04-30. Review status: criteria provided, single submitter. Criteria: Invitae Variant Classification Sherloc (09022015). Collection method: clinical testing. Allele origin: germline.
Comment: This sequence change replaces serine, which is neutral and polar, with glycine, which is neutral and non-polar, at codon 1081 of the APC protein (p.Ser1081Gly). This variant is not present in population databases (gnomAD no frequency). This variant has not been reported in the literature in individuals affected with APC-related conditions. ClinVar contains an entry for this variant (Variation ID: 1203241). Invitae Evidence Modeling of protein sequence and biophysical properties (such as structural, functional, and spatial information, amino acid conservation, physicochemical variation, residue mobility, and thermodynamic stability) indicates that this missense variant is not expected to disrupt APC protein function with a negative predictive value of 95%. In summary, the available evidence is currently insufficient to determine the role of this variant in disease. Therefore, it has been classified as a Variant of Uncertain Significance.

All of Us Research Program, National Institutes of Health
Classification: Uncertain significance for Classic or attenuated familial adenomatous polyposis. Last evaluated: 2024-09-23. Review status: criteria provided, single submitter. Criteria: ACMG Guidelines, 2015. Collection method: clinical testing. Allele origin: germline. Inheritance: Autosomal dominant inheritance. Observed: 2 variant alleles, 2 heterozygotes.
Comment: This study involves interpretation of variants in research participants for the purpose of population health screening. Participant phenotype was not available at the time of variant classification. Additional details can be found in publication PMID: 35346344, PMCID: PMC8962531

Baylor Genetics
Classification: Uncertain significance for Familial adenomatous polyposis 1. Last evaluated: 2023-06-19. Review status: criteria provided, single submitter. Criteria: ACMG Guidelines, 2015. Collection method: clinical testing. Allele origin: unknown.

GeneDx
Classification: Uncertain significance. Last evaluated: 2020-02-14. Review status: criteria provided, single submitter. Criteria: GeneDx Variant Classification Process June 2021. Collection method: clinical testing. Allele origin: germline. Affected: yes.
Comment: Not observed in large population cohorts (Lek et al., 2016); In silico analysis supports that this missense variant does not alter protein structure/function; Has not been previously published as pathogenic or benign to our knowledge